The following is an entry in ClinVar:

NM_015650.4(TRAF3IP1):c.1064-10T>A

Gene: TRAF3IP1 (TRAF3 interacting protein 1; plus strand). Cytogenetic location: 2q37.3.
Variant type: single nucleotide variant.
Coding change: c.1064-10T>A on transcript NM_015650.4 (MANE Select); 10 bases into the intron before coding-DNA position 1064, T replaced by A.
Molecular consequence: intron variant.
Genome position (GRCh38, 1-based): chr2:238,338,352, T>A. VCF-style: chr2-238338352-T-A. GRCh37 (hg19) VCF-style: chr2-239246993-T-A.
Other names: c.1063+4317T>A (NM_001139490.1).
Identifiers: ClinVar variation 1003934 (VCV001003934.8), dbSNP rs1698482792, ClinGen allele CA1338078442.

ClinVar aggregate classification (germline): Uncertain significance (1 of 4 stars; one submission).

Submission:

Labcorp Genetics (formerly Invitae), Labcorp
Classification: Uncertain significance. Last evaluated: 2022-11-29. Review status: criteria provided, single submitter. Criteria: Invitae Variant Classification Sherloc (09022015). Collection method: clinical testing. Allele origin: germline.
Comment: In summary, the available evidence is currently insufficient to determine the role of this variant in disease. Therefore, it has been classified as a Variant of Uncertain Significance. Algorithms developed to predict the effect of sequence changes on RNA splicing suggest that this variant may disrupt the consensus splice site. ClinVar contains an entry for this variant (Variation ID: 1003934). This variant has not been reported in the literature in individuals affected with TRAF3IP1-related conditions. This variant is not present in population databases (gnomAD no frequency). This sequence change falls in intron 7 of the TRAF3IP1 gene. It does not directly change the encoded amino acid sequence of the TRAF3IP1 protein.